The following is an entry in ClinVar:

ClinVar aggregate classification (germline): Likely pathogenic (1 of 4 stars; one submission).

Conditions:
MYPN-related disorder. Also called: MYPN-related condition.

Submission:

PreventionGenetics, part of Exact Sciences
Classification: Likely pathogenic for MYPN-related condition. Last evaluated: 2023-09-13. Review status: criteria provided, single submitter. Criteria: ACMG Guidelines, 2015. Collection method: clinical testing. Allele origin: germline.
Comment: The MYPN c.1324C>T variant is predicted to result in premature protein termination (p.Gln442*). To our knowledge, this variant has not been reported in the literature or in a large population database, indicating this variant is rare. Nonsense variants in MYPN are expected to be pathogenic. This variant is interpreted as likely pathogenic.

NM_032578.4(MYPN):c.1324C>T (p.Gln442Ter)

Gene: MYPN (myopalladin; plus strand). Cytogenetic location: 10q21.3.
Variant type: single nucleotide variant.
Coding change: c.1324C>T on transcript NM_032578.4 (MANE Select); coding-DNA position 1324, C replaced by T.
Protein change: p.Gln442Ter; replaces glutamine 442 with a stop codon.
Molecular consequence: nonsense. On other transcripts: non-coding transcript variant (2).
Genome position (GRCh38, 1-based): chr10:68,158,492, C>T. VCF-style: chr10-68158492-C-T. GRCh37 (hg19) VCF-style: chr10-69918249-C-T.
Other names: c.1324C>T, p.Gln442Ter (NM_001256267.2); c.442C>T, p.Gln148Ter (NM_001256268.2); short protein forms Q148*, Q442*.
Identifiers: ClinVar variation 2630914 (VCV002630914.1), dbSNP rs2495675414, ClinGen allele CA376834402.